The following is an entry in ClinVar:

NM_001242896.3(DEPDC5):c.778C>G (p.Gln260Glu)

Gene: DEPDC5 (DEP domain containing 5, GATOR1 subcomplex subunit; plus strand). Cytogenetic location: 22q12.2.
Variant type: single nucleotide variant.
Coding change: c.778C>G on transcript NM_001242896.3 (MANE Select); coding-DNA position 778, C replaced by G.
Protein change: p.Gln260Glu; replaces glutamine 260 with glutamic acid.
Molecular consequence: missense variant. On other transcripts: non-coding transcript variant (5).
Genome position (GRCh38, 1-based): chr22:31,797,610, C>G. VCF-style: chr22-31797610-C-G. GRCh37 (hg19) VCF-style: chr22-32193596-C-G.
Other names: c.778C>G, p.Gln260Glu (NM_001007188.4, NM_001136029.4, NM_001242897.2 and 7 more transcripts); c.694C>G, p.Gln232Glu (NM_001369901.1, NM_001369902.1); short protein forms Q232E, Q260E.
Identifiers: ClinVar variation 1309080 (VCV001309080.2), dbSNP rs2148574434, ClinGen allele CA411290466.

ClinVar aggregate classification (germline): Uncertain significance (1 of 4 stars; one submission).

Submission:

GeneDx
Classification: Uncertain significance. Last evaluated: 2019-10-04. Review status: criteria provided, single submitter. Criteria: GeneDx Variant Classification Process June 2021. Collection method: clinical testing. Allele origin: germline. Affected: yes.
Comment: Not observed in large population cohorts (Lek et al., 2016); In silico analysis, which includes protein predictors and evolutionary conservation, supports a deleterious effect; Has not been previously published as pathogenic or benign to our knowledge